The following is an entry in ClinVar:

ClinVar aggregate classification (germline): Pathogenic (1 of 4 stars; one submission).

Conditions:
Bethlem myopathy 2 (BTHLM2). Identifiers: Orphanet 536516, Orphanet 610, MedGen C4225313, MONDO:0034022, OMIM 616471.
Ullrich congenital muscular dystrophy 2 (UCMD2). Identifiers: Orphanet 75840, MedGen C4225314, MONDO:0014654, OMIM 616470.

Submission:

Labcorp Genetics (formerly Invitae), Labcorp
Classification: Pathogenic for Bethlem myopathy 2; Ullrich congenital muscular dystrophy 2. Last evaluated: 2021-10-24. Review status: criteria provided, single submitter. Criteria: Invitae Variant Classification Sherloc (09022015). Collection method: clinical testing. Allele origin: germline.
Comment: This variant is a gross deletion of the genomic region encompassing exon(s) 21-24 of the COL12A1 gene. This deletion is out-of-frame, and is expected to create a premature termination codon and result in an absent or disrupted protein product. Loss-of-function variants in COL12A1 are known to be pathogenic (PMID: 24334604, 28973083). For these reasons, this variant has been classified as Pathogenic. This variant has not been reported in the literature in individuals affected with COL12A1-related conditions.

Literature cited by the submitters: PubMed 24334604; PubMed 28973083.

NC_000006.11:g.(?_75855798)_(75861023_?)del

Gene: COL12A1 (collagen type XII alpha 1 chain; minus strand). Cytogenetic location: 6q13.
Variant type: Deletion.
Identifiers: ClinVar variation 1455959 (VCV001455959.5).